The following is an entry in ClinVar:

NM_000287.4(PEX6):c.2435G>A (p.Arg812Gln)

Gene: PEX6 (peroxisomal biogenesis factor 6; minus strand). Cytogenetic location: 6p21.1.
Variant type: single nucleotide variant.
Coding change: c.2435G>A on transcript NM_000287.4 (MANE Select); coding-DNA position 2435, G replaced by A.
Protein change: p.Arg812Gln; replaces arginine 812 with glutamine.
Molecular consequence: missense variant. On other transcripts: non-coding transcript variant (1).
Genome position (GRCh38, 1-based): chr6:42,965,717, C>T on the plus strand (G>A on the coding strand, the complement: PEX6 is on the minus strand). VCF-style: chr6-42965717-C-T. GRCh37 (hg19) VCF-style: chr6-42933455-C-T.
Other names: c.2171G>A, p.Arg724Gln (NM_001316313.2); short protein forms R812Q, R724Q.
Identifiers: ClinVar variation 555170 (VCV000555170.17), dbSNP rs61753229, ClinGen allele CA3811017.

ClinVar aggregate classification (germline): Pathogenic/Likely pathogenic. Review status: criteria provided, multiple submitters, no conflicts (2 of 4 stars). 7 submissions from 7 submitters: Pathogenic (1); Likely pathogenic (5). 1 of the submissions does not count toward it. Last evaluated 2025-04-08.

Conditions:
Zellweger spectrum disorders (ZS). Also called: Zellweger Spectrum Disorder (ZSD); Zellweger Spectrum Disorder; Zellweger Spectrum; Zellweger syndrome. Identifiers: Orphanet 912, MedGen C0043459, MONDO:0019609.
Heimler syndrome 2 (HMLR2). Also called: PEROXISOME BIOGENESIS DISORDER 4C. Identifiers: Orphanet 3220, MedGen C4225267, OMIM 616617, MONDO:0014709.
Peroxisome biogenesis disorder 4A (Zellweger) (PBD4A). Also called: Zellweger syndrome spectrum (PEX6-related). Identifiers: Orphanet 912, MedGen C3553936, MONDO:0013930, OMIM 614862. Disease mechanism: loss of function.
Peroxisome biogenesis disorder 4B (PBD4B). Also called: SPINOCEREBELLAR ATAXIA WITH BLINDNESS AND DEAFNESS 1. Identifiers: Orphanet 44, Orphanet 95433, MedGen C3553937, MONDO:0013931, OMIM 614863.
Peroxisome biogenesis disorder. Identifiers: Orphanet 79189, MedGen C1832200, MONDO:0019234. Disease mechanism: loss of function.
Peroxisome biogenesis disorder 1A (Zellweger) (PBD1A). Also called: Peroxisome biogenesis disorder 1a; Zellweger leukodystrophy. Identifiers: MedGen C4721541, MONDO:0008953, OMIM 214100.

Allele frequency attached by ClinVar (database versions not stated): TOPMed below 0.00001; ExAC 0.00001; gnomAD 0.00001; gnomAD exomes 0.00001.
gnomAD v4.1: 14 of 1,613,976 alleles (0.00087%); highest among the groups gnomAD compares: Admixed American, 0.0017%; no homozygotes.

Submissions (7):

Labcorp Genetics (formerly Invitae), Labcorp
Classification: Likely pathogenic for Peroxisome biogenesis disorder. Last evaluated: 2025-04-08. Review status: criteria provided, single submitter. Criteria: Invitae Variant Classification Sherloc (09022015). Collection method: clinical testing. Allele origin: germline.
Comment: This sequence change replaces arginine, which is basic and polar, with glutamine, which is neutral and polar, at codon 812 of the PEX6 protein (p.Arg812Gln). This variant is present in population databases (rs61753229, gnomAD 0.02%). This missense change has been observed in individuals with Zellweger syndrome (PMID: 10408779, 19877282). ClinVar contains an entry for this variant (Variation ID: 555170). Invitae Evidence Modeling of protein sequence and biophysical properties (such as structural, functional, and spatial information, amino acid conservation, physicochemical variation, residue mobility, and thermodynamic stability) indicates that this missense variant is expected to disrupt PEX6 protein function with a positive predictive value of 80%. Experimental studies have shown that this missense change affects PEX6 function (PMID: 10408779). This variant disrupts the p.Arg812 amino acid residue in PEX6. Other variant(s) that disrupt this residue have been observed in individuals with PEX6-related conditions (PMID: 19877282), which suggests that this may be a clinically significant amino acid residue. In summary, the currently available evidence indicates that the variant is pathogenic, but additional data are needed to prove that conclusively. Therefore, this variant has been classified as Likely Pathogenic.

Natera, Inc.
Classification: Likely pathogenic for Zellweger syndrome. Last evaluated: 2025-03-28. Review status: criteria provided, single submitter. Criteria: Natera Variant Classification Schema (03/2026). Collection method: clinical testing. Allele origin: germline.
Comment: The c.2435G>A variant in PEX6 is a missense variant predicted to cause substitution of arginine to glutamine at amino acid 812. This variant is rare in the general population with a frequency below the threshold expected for the associated phenotype(s). This variant has been observed in one or more individuals affected with the associated recessive disease, as either homozygous or compound heterozygous with a second variant (PMID: 10408779, 19877282). Functional studies show that this variant may disrupt protein function (PMID: 10408779). Computational prediction algorithms indicate this variant is likely to affect gene or protein function. Given the available evidence, this variant is classified as Likely Pathogenic.

Fulgent Genetics
Classification: Likely pathogenic for Peroxisome biogenesis disorder 4A (Zellweger); Peroxisome biogenesis disorder 4B; Heimler syndrome 2. Last evaluated: 2024-05-01. Review status: criteria provided, single submitter. Criteria: ACMG Guidelines, 2015. Collection method: clinical testing. Allele origin: germline.

Women's Health and Genetics/Laboratory Corporation of America, LabCorp
Classification: Likely pathogenic for Peroxisome biogenesis disorder. Last evaluated: 2024-04-23. Review status: criteria provided, single submitter. Criteria: LabCorp Variant Classification Summary - May 2015. Collection method: clinical testing. Allele origin: germline.
Comment: Variant summary: PEX6 c.2435G>A (p.Arg812Gln) results in a conservative amino acid change located in the AAA+ ATPase domain (IPR003593) of the encoded protein sequence. Four of five in-silico tools predict a damaging effect of the variant on protein function. The variant allele was found at a frequency of 1.2e-05 in 251484 control chromosomes. c.2435G>A has been reported in the literature in individuals affected with Zellweger Syndrome (e.g. Zhang_1999, Ebberink_2010). These data indicate that the variant is likely to be associated with disease. At least one publication reports experimental evidence evaluating an impact on protein function and found the variant results in the inability to rescue peroxisome biogenesis activity in deficient cells (Zhang_1999). The following publications have been ascertained in the context of this evaluation (PMID: 19877282, 10408779). ClinVar contains an entry for this variant (Variation ID: 555170). Based on the evidence outlined above, the variant was classified as likely pathogenic.

Baylor Genetics
Classification: Likely pathogenic for Heimler syndrome 2. Last evaluated: 2023-10-11. Review status: criteria provided, single submitter. Criteria: ACMG Guidelines, 2015. Collection method: clinical testing. Allele origin: unknown.

Center of Genomic medicine, Geneva, University Hospital of Geneva
Classification: Pathogenic for Zellweger syndrome. Last evaluated: 2019-03-05. Review status: criteria provided, single submitter. Criteria: ACMG Guidelines, 2015. Collection method: clinical testing. Allele origin: maternal. Affected: yes. Observed: 2 variant alleles.

Counsyl
Classification: Likely pathogenic for Peroxisome biogenesis disorder 4A (Zellweger); Peroxisome biogenesis disorder 4B. Last evaluated: 2017-11-21. Review status: no assertion criteria provided. Collection method: clinical testing. Allele origin: unknown. Not counted in ClinVar's aggregate classification.

Literature cited by the submitters: PubMed 10408779 (cited by 4 submitters); PubMed 19877282 (cited by 4 submitters); PubMed 25525159 (cited by Counsyl).